The following is an entry in ClinVar:

NM_000535.7(PMS2):c.1814T>G (p.Val605Gly)

Gene: PMS2 (PMS1 homolog 2, mismatch repair system component; minus strand). Cytogenetic location: 7p22.1.
Variant type: single nucleotide variant.
Coding change: c.1814T>G on transcript NM_000535.7 (MANE Select); coding-DNA position 1814, T replaced by G.
Protein change: p.Val605Gly; replaces valine 605 with glycine.
Molecular consequence: missense variant. On other transcripts: non-coding transcript variant (1), intron variant (1).
Genome position (GRCh38, 1-based): chr7:5,986,951, A>C on the plus strand (T>G on the coding strand, the complement: PMS2 is on the minus strand). VCF-style: chr7-5986951-A-C. GRCh37 (hg19) VCF-style: chr7-6026582-A-C.
Other names: c.1253T>G, p.Val418Gly (NM_001322010.2, NM_001406906.1, NM_001406907.1); c.881T>G, p.Val294Gly (NM_001322011.2, NM_001322012.2); c.1241T>G, p.Val414Gly (NM_001322013.2, NM_001406909.1); c.1814T>G, p.Val605Gly (NM_001322014.2, NM_001406871.1, NM_001406872.1); c.1505T>G, p.Val502Gly (NM_001322015.2, NM_001406880.1, NM_001406881.1 and 5 more transcripts); c.2000T>G, p.Val667Gly (NM_001406866.1); c.1838T>G, p.Val613Gly (NM_001406868.1); c.1706T>G, p.Val569Gly (NM_001406869.1); and 13 more; short protein forms V348G, V553G, V605G, V294G, V450G, V497G, V499G, V549G.
Identifiers: ClinVar variation 3664580 (VCV003664580.3).

ClinVar aggregate classification (germline): Uncertain significance. Review status: criteria provided, multiple submitters, no conflicts (2 of 4 stars). 2 submissions from 2 submitters: Uncertain significance (2). Last evaluated 2026-07-07.

Conditions:
Hereditary cancer-predisposing syndrome. Also called: Tumor predisposition; Hereditary neoplastic syndrome; Hereditary Cancer Syndrome; Neoplastic Syndromes, Hereditary. Identifiers: Orphanet 140162, MedGen C0027672, MeSH D009386, MONDO:0015356.
Hereditary nonpolyposis colorectal neoplasms. Identifiers: MedGen C0009405, MeSH D003123.

Submissions (2):

Ambry Genetics
Classification: Uncertain significance for Hereditary cancer-predisposing syndrome. Last evaluated: 2026-07-07. Review status: criteria provided, single submitter. Criteria: Ambry Variant Classification Scheme 2023. Collection method: clinical testing. Allele origin: germline.
Comment: The p.V605G variant (also known as c.1814T>G), located in coding exon 11 of the PMS2 gene, results from a T to G substitution at nucleotide position 1814. The valine at codon 605 is replaced by glycine, an amino acid with dissimilar properties. This amino acid position is conserved. In addition, this alteration is predicted to be tolerated by in silico analysis. Based on the available evidence, the clinical significance of this variant remains unclear.

Labcorp Genetics (formerly Invitae), Labcorp
Classification: Uncertain significance for Hereditary nonpolyposis colorectal neoplasms. Last evaluated: 2024-10-10. Review status: criteria provided, single submitter. Criteria: Invitae Variant Classification Sherloc (09022015). Collection method: clinical testing. Allele origin: germline.
Comment: This sequence change replaces valine, which is neutral and non-polar, with glycine, which is neutral and non-polar, at codon 605 of the PMS2 protein (p.Val605Gly). This variant is not present in population databases (gnomAD no frequency). This variant has not been reported in the literature in individuals affected with PMS2-related conditions. Invitae Evidence Modeling incorporating data from in vitro experimental studies (internal data) indicates that this missense variant is not expected to disrupt PMS2 function with a negative predictive value of 95%. In summary, the available evidence is currently insufficient to determine the role of this variant in disease. Therefore, it has been classified as a Variant of Uncertain Significance.